The following is an entry in ClinVar:

NM_004104.5(FASN):c.1156G>A (p.Gly386Ser)

Gene: FASN (fatty acid synthase; minus strand). Cytogenetic location: 17q25.3.
Variant type: single nucleotide variant.
Coding change: c.1156G>A on transcript NM_004104.5 (MANE Select); coding-DNA position 1156, G replaced by A.
Protein change: p.Gly386Ser; replaces glycine 386 with serine.
Molecular consequence: missense variant.
Genome position (GRCh38, 1-based): chr17:82,091,558, C>T on the plus strand (G>A on the coding strand, the complement: FASN is on the minus strand). VCF-style: chr17-82091558-C-T. GRCh37 (hg19) VCF-style: chr17-80049434-C-T.
Other names: short protein forms G386S.
Identifiers: ClinVar variation 1041982 (VCV001041982.6), dbSNP rs1025675707, ClinGen allele CA295137908.

ClinVar aggregate classification (germline): Uncertain significance (1 of 4 stars; one submission).

Conditions:
Epileptic encephalopathy. Identifiers: MedGen C0543888, HP:0200134.

Allele frequency attached by ClinVar (database versions not stated): gnomAD exomes below 0.00001; TOPMed 0.00001.
gnomAD v4.1: 2 of 1,592,666 alleles (0.00013%); highest among the groups gnomAD compares: Admixed American, 0.0018%; no homozygotes.

Submission:

Labcorp Genetics (formerly Invitae), Labcorp
Classification: Uncertain significance for Epileptic encephalopathy. Last evaluated: 2022-07-06. Review status: criteria provided, single submitter. Criteria: Invitae Variant Classification Sherloc (09022015). Collection method: clinical testing. Allele origin: germline.
Comment: Algorithms developed to predict the effect of missense changes on protein structure and function are either unavailable or do not agree on the potential impact of this missense change (SIFT: "Tolerated"; PolyPhen-2: "Probably Damaging"; Align-GVGD: "Class C0"). ClinVar contains an entry for this variant (Variation ID: 1041982). This variant has not been reported in the literature in individuals affected with FASN-related conditions. The frequency data for this variant in the population databases is considered unreliable, as metrics indicate poor data quality at this position in the gnomAD database. This sequence change replaces glycine, which is neutral and non-polar, with serine, which is neutral and polar, at codon 386 of the FASN protein (p.Gly386Ser). Algorithms developed to predict the effect of sequence changes on RNA splicing suggest that this variant may create or strengthen a splice site. In summary, the available evidence is currently insufficient to determine the role of this variant in disease. Therefore, it has been classified as a Variant of Uncertain Significance.